The following is an entry in ClinVar:

ClinVar aggregate classification (germline): Uncertain significance (1 of 4 stars; one submission).

Conditions:
Hereditary cancer-predisposing syndrome. Also called: Neoplastic Syndromes, Hereditary; Tumor predisposition; Hereditary Cancer Syndrome; Hereditary neoplastic syndrome. Identifiers: Orphanet 140162, MedGen C0027672, MeSH D009386, MONDO:0015356.

Submission:

Ambry Genetics
Classification: Uncertain significance for Hereditary cancer-predisposing syndrome. Last evaluated: 2025-07-18. Review status: criteria provided, single submitter. Criteria: Ambry Variant Classification Scheme 2023. Collection method: clinical testing. Allele origin: germline.
Comment: The p.D159G variant (also known as c.476A>G), located in coding exon 4 of the SUFU gene, results from an A to G substitution at nucleotide position 476. The aspartic acid at codon 159 is replaced by glycine, an amino acid with similar properties. This amino acid position is conserved. In addition, this alteration is predicted to be deleterious by in silico analysis. Based on the available evidence, the clinical significance of this variant remains unclear.

NM_016169.4(SUFU):c.476A>G (p.Asp159Gly)

Gene: SUFU (SUFU negative regulator of hedgehog signaling; plus strand). Cytogenetic location: 10q24.32.
Variant type: single nucleotide variant.
Coding change: c.476A>G on transcript NM_016169.4 (MANE Select); coding-DNA position 476, A replaced by G.
Protein change: p.Asp159Gly; replaces aspartic acid 159 with glycine.
Molecular consequence: missense variant.
Genome position (GRCh38, 1-based): chr10:102,592,603, A>G. VCF-style: chr10-102592603-A-G. GRCh37 (hg19) VCF-style: chr10-104352360-A-G.
Other names: c.476A>G, p.Asp159Gly (NM_001178133.2); short protein forms D159G.
Identifiers: ClinVar variation 4177542 (VCV004177542.1).